The following is an entry in ClinVar:

NM_000388.4(CASR):c.2693G>T (p.Arg898Leu)

Gene: CASR (calcium sensing receptor; plus strand). Cytogenetic location: 3q21.1.
Variant type: single nucleotide variant.
Coding change: c.2693G>T on transcript NM_000388.4 (MANE Select); coding-DNA position 2693, G replaced by T.
Protein change: p.Arg898Leu; replaces arginine 898 with leucine.
Molecular consequence: missense variant.
Genome position (GRCh38, 1-based): chr3:122,284,647, G>T. VCF-style: chr3-122284647-G-T. GRCh37 (hg19) VCF-style: chr3-122003494-G-T.
Other names: c.2723G>T, p.Arg908Leu (NM_001178065.2); short protein forms R898L, R908L.
Identifiers: ClinVar variation 1053351 (VCV001053351.12), dbSNP rs121909269, ClinGen allele CA354160569.

ClinVar aggregate classification (germline): Uncertain significance. Review status: criteria provided, multiple submitters, no conflicts (2 of 4 stars). 3 submissions from 3 submitters: Uncertain significance (3). Last evaluated 2024-07-17.

Conditions:
Nephrolithiasis/nephrocalcinosis. Identifiers: MedGen CN580796.
Familial hypocalciuric hypercalcemia (FHH). Also called: Familial benign hypercalcemia. Identifiers: Orphanet 405, MedGen C1809471, MONDO:0018458.
Autosomal dominant hypocalcemia 1 (HYPOC1). Also called: HYPOCALCEMIA, FAMILIAL. Identifiers: MedGen C3715128, MONDO:0011013, OMIM 601198.
Familial hypocalciuric hypercalcemia 1. Also called: Hypercalcemia, familial benign type 1. Identifiers: Orphanet 405, Orphanet 93372, MedGen C0342637, MONDO:0007791, OMIM 145980.
Epilepsy, idiopathic generalized, susceptibility to, 8. Identifiers: MedGen C2752062, MONDO:0013032, OMIM 612899.
Neonatal severe primary hyperparathyroidism. Identifiers: Orphanet 417, MedGen C1832615, MONDO:0009397, OMIM 239200.

Allele frequency attached by ClinVar (database versions not stated): gnomAD 0.00001; TOPMed 0.00001.
gnomAD v4.1: 4 of 1,613,786 alleles (0.00025%); highest among the groups gnomAD compares: African/African-American, 0.0027%; no homozygotes.

Submissions (3):

Labcorp Genetics (formerly Invitae), Labcorp
Classification: Uncertain significance for Familial hypocalciuric hypercalcemia; Autosomal dominant hypocalcemia 1. Last evaluated: 2024-07-17. Review status: criteria provided, single submitter. Criteria: Invitae Variant Classification Sherloc (09022015). Collection method: clinical testing. Allele origin: germline.
Comment: This sequence change replaces arginine, which is basic and polar, with leucine, which is neutral and non-polar, at codon 898 of the CASR protein (p.Arg898Leu). This variant is not present in population databases (gnomAD no frequency). This variant has not been reported in the literature in individuals affected with CASR-related conditions. ClinVar contains an entry for this variant (Variation ID: 1053351). An algorithm developed to predict the effect of missense changes on protein structure and function (PolyPhen-2) suggests that this variant is likely to be tolerated. In summary, the available evidence is currently insufficient to determine the role of this variant in disease. Therefore, it has been classified as a Variant of Uncertain Significance.

Fulgent Genetics
Classification: Uncertain significance for Familial hypocalciuric hypercalcemia 1; Neonatal severe primary hyperparathyroidism; Autosomal dominant hypocalcemia 1; Epilepsy, idiopathic generalized, susceptibility to, 8. Last evaluated: 2024-03-13. Review status: criteria provided, single submitter. Criteria: ACMG Guidelines, 2015. Collection method: clinical testing. Allele origin: germline.

Ambry Genetics
Classification: Uncertain significance for Nephrolithiasis/nephrocalcinosis. Last evaluated: 2022-02-05. Review status: criteria provided, single submitter. Criteria: Ambry Variant Classification Scheme 2023. Collection method: clinical testing. Allele origin: germline.
Comment: The p.R898L variant (also known as c.2693G>T), located in coding exon 6 of the CASR gene, results from a G to T substitution at nucleotide position 2693. The arginine at codon 898 is replaced by leucine, an amino acid with dissimilar properties. This amino acid position is conserved. In addition, the in silico prediction for this alteration is inconclusive. Since supporting evidence is limited at this time, the clinical significance of this alteration remains unclear.